The following is an entry in ClinVar:

NM_014264.5(PLK4):c.165G>C (p.Gln55His)

Gene: PLK4 (polo like kinase 4; plus strand). Cytogenetic location: 4q28.1.
Variant type: single nucleotide variant.
Coding change: c.165G>C on transcript NM_014264.5 (MANE Select); coding-DNA position 165, G replaced by C.
Protein change: p.Gln55His; replaces glutamine 55 with histidine.
Molecular consequence: missense variant. On other transcripts: intron variant (1).
Genome position (GRCh38, 1-based): chr4:127,883,300, G>C. VCF-style: chr4-127883300-G-C. GRCh37 (hg19) VCF-style: chr4-128804455-G-C.
Other names: c.42G>C, p.Gln14His (NM_001190801.2); c.127-139G>C (NM_001190799.2); short protein forms Q14H, Q55H.
Identifiers: ClinVar variation 1057838 (VCV001057838.5), dbSNP rs2148816000, ClinGen allele CA358167336.

ClinVar aggregate classification (germline): Uncertain significance (1 of 4 stars; one submission).

Submission:

Labcorp Genetics (formerly Invitae), Labcorp
Classification: Uncertain significance. Last evaluated: 2022-02-03. Review status: criteria provided, single submitter. Criteria: Invitae Variant Classification Sherloc (09022015). Collection method: clinical testing. Allele origin: germline.
Comment: In summary, the available evidence is currently insufficient to determine the role of this variant in disease. Therefore, it has been classified as a Variant of Uncertain Significance. Algorithms developed to predict the effect of missense changes on protein structure and function are either unavailable or do not agree on the potential impact of this missense change (SIFT: "Deleterious"; PolyPhen-2: "Probably Damaging"; Align-GVGD: "Class C0"). ClinVar contains an entry for this variant (Variation ID: 1057838). This variant has not been reported in the literature in individuals affected with PLK4-related conditions. This variant is not present in population databases (gnomAD no frequency). This sequence change replaces glutamine, which is neutral and polar, with histidine, which is basic and polar, at codon 55 of the PLK4 protein (p.Gln55His).